The following is an entry in ClinVar:

NM_000937.5(POLR2A):c.3137G>A (p.Arg1046Gln)

Gene: POLR2A (RNA polymerase II subunit A; plus strand). Cytogenetic location: 17p13.1.
Variant type: single nucleotide variant.
Coding change: c.3137G>A on transcript NM_000937.5 (MANE Select); coding-DNA position 3137, G replaced by A.
Protein change: p.Arg1046Gln; replaces arginine 1046 with glutamine.
Molecular consequence: missense variant.
Genome position (GRCh38, 1-based): chr17:7,503,688, G>A. VCF-style: chr17-7503688-G-A. GRCh37 (hg19) VCF-style: chr17-7407007-G-A.
Other names: short protein forms R1046Q.
Identifiers: ClinVar variation 3372510 (VCV003372510.1).

ClinVar aggregate classification (germline): Uncertain significance (1 of 4 stars; one submission).

Submission:

GeneDx
Classification: Uncertain significance. Last evaluated: 2024-04-17. Review status: criteria provided, single submitter. Criteria: GeneDx Variant Classification Process June 2021. Collection method: clinical testing. Allele origin: germline. Affected: yes.
Comment: Not observed at significant frequency in large population cohorts (gnomAD); In silico analysis supports that this missense variant has a deleterious effect on protein structure/function; Has not been previously published as pathogenic or benign to our knowledge